The following is an entry in ClinVar:

ClinVar aggregate classification (germline): Conflicting classifications of pathogenicity. Review status: criteria provided, conflicting classifications (1 of 4 stars). 2 submissions from 2 submitters: Likely pathogenic (1); Uncertain significance (1). Last evaluated 2024-03-07.

Conditions:
CACNA2D4-related disorder. Also called: CACNA2D4-related condition.

gnomAD v4.1: 17 of 1,613,594 alleles (0.0011%); highest among the groups gnomAD compares: Non-Finnish European, 0.0014%; no homozygotes.

Submissions (2):

Labcorp Genetics (formerly Invitae), Labcorp
Classification: Uncertain significance. Last evaluated: 2024-03-07. Review status: criteria provided, single submitter. Criteria: Invitae Variant Classification Sherloc (09022015). Collection method: clinical testing. Allele origin: germline.
Comment: This sequence change creates a premature translational stop signal (p.Tyr469*) in the CACNA2D4 gene. It is expected to result in an absent or disrupted protein product. However, the current clinical and genetic evidence is not sufficient to establish whether loss-of-function variants in CACNA2D4 cause disease. This variant is present in population databases (no rsID available, gnomAD 0.002%). This variant has not been reported in the literature in individuals affected with CACNA2D4-related conditions. ClinVar contains an entry for this variant (Variation ID: 631672). In summary, the available evidence is currently insufficient to determine the role of this variant in disease. Therefore, it has been classified as a Variant of Uncertain Significance.

Blueprint Genetics
Classification: Likely pathogenic for CACNA2D4-related disorders. Last evaluated: 2022-01-05. Review status: criteria provided, single submitter. Criteria: ACMG Guidelines, 2015. Collection method: clinical testing. Allele origin: germline. Affected: yes. Observed: 3 variant alleles.

NM_172364.5(CACNA2D4):c.1407C>G (p.Tyr469Ter)

Gene: CACNA2D4 (calcium voltage-gated channel auxiliary subunit alpha2delta 4; minus strand). Cytogenetic location: 12p13.33.
Variant type: single nucleotide variant.
Coding change: c.1407C>G on transcript NM_172364.5 (MANE Select); coding-DNA position 1407, C replaced by G.
Protein change: p.Tyr469Ter; replaces tyrosine 469 with a stop codon.
Molecular consequence: nonsense.
Genome position (GRCh38, 1-based): chr12:1,882,945, G>C on the plus strand (C>G on the coding strand, the complement: CACNA2D4 is on the minus strand). VCF-style: chr12-1882945-G-C. GRCh37 (hg19) VCF-style: chr12-1992111-G-C.
Other names: short protein forms Y469*.
Identifiers: ClinVar variation 631672 (VCV000631672.10), dbSNP rs771184759, ClinGen allele CA383356302.